The following is an entry in ClinVar:

NM_000051.4(ATM):c.590G>T (p.Gly197Val)

Gene: ATM (ATM serine/threonine kinase; plus strand). Cytogenetic location: 11q22.3.
Variant type: single nucleotide variant.
Coding change: c.590G>T on transcript NM_000051.4 (MANE Select); coding-DNA position 590, G replaced by T.
Protein change: p.Gly197Val; replaces glycine 197 with valine.
Molecular consequence: missense variant.
Genome position (GRCh38, 1-based): chr11:108,244,046, G>T. VCF-style: chr11-108244046-G-T. GRCh37 (hg19) VCF-style: chr11-108114773-G-T.
Other names: c.590G>T, p.Gly197Val (NM_001351834.2); short protein forms G197V.
Identifiers: ClinVar variation 481250 (VCV000481250.20), dbSNP rs753806542, ClinGen allele CA382528007.

ClinVar aggregate classification (germline): Uncertain significance. Review status: criteria provided, multiple submitters, no conflicts (2 of 4 stars). 4 submissions from 4 submitters: Uncertain significance (3). 1 of the submissions does not count toward it. Last evaluated 2025-04-07.

Conditions:
Hereditary cancer-predisposing syndrome. Also called: Hereditary neoplastic syndrome; Neoplastic Syndromes, Hereditary; Tumor predisposition; Hereditary Cancer Syndrome. Identifiers: Orphanet 140162, MedGen C0027672, MeSH D009386, MONDO:0015356.
Ataxia-telangiectasia syndrome (AT). Also called: LOUIS-BAR SYNDROME; Cerebello-oculocutaneous telangiectasia; Immunodeficiency with ataxia telangiectasia; AT, COMPLEMENTATION GROUP C; Ataxia-telangiectasia, complementation group D; ATAXIA-TELANGIECTASIA, COMPLEMENTATION GROUP A. Identifiers: Orphanet 100, MedGen C0004135, MONDO:0008840, OMIM 208900.

gnomAD v4.1: 4 of 1,613,490 alleles (0.00025%); highest among the groups gnomAD compares: Non-Finnish European, 0.00034%; no homozygotes.

Submissions (4):

Labcorp Genetics (formerly Invitae), Labcorp
Classification: Uncertain significance for Ataxia-telangiectasia syndrome. Last evaluated: 2025-04-07. Review status: criteria provided, single submitter. Criteria: Invitae Variant Classification Sherloc (09022015). Collection method: clinical testing. Allele origin: germline.
Comment: This sequence change replaces glycine, which is neutral and non-polar, with valine, which is neutral and non-polar, at codon 197 of the ATM protein (p.Gly197Val). This variant is not present in population databases (gnomAD no frequency). This variant has not been reported in the literature in individuals affected with ATM-related conditions. ClinVar contains an entry for this variant (Variation ID: 481250). Invitae Evidence Modeling of protein sequence and biophysical properties (such as structural, functional, and spatial information, amino acid conservation, physicochemical variation, residue mobility, and thermodynamic stability) has been performed for this missense variant. However, the output from this modeling did not meet the statistical confidence thresholds required to predict the impact of this variant on ATM protein function. In summary, the available evidence is currently insufficient to determine the role of this variant in disease. Therefore, it has been classified as a Variant of Uncertain Significance.

Institute for Biomarker Research, Medical Diagnostic Laboratories, L.L.C.
Classification: Uncertain significance for Hereditary cancer-predisposing syndrome. Last evaluated: 2023-08-22. Review status: criteria provided, single submitter. Criteria: ACMG Guidelines, 2015. Collection method: clinical testing. Allele origin: germline.

Ambry Genetics
Classification: Uncertain significance for Hereditary cancer-predisposing syndrome. Last evaluated: 2023-06-01. Review status: criteria provided, single submitter. Criteria: Ambry Variant Classification Scheme 2023. Collection method: clinical testing. Allele origin: germline.
Comment: The p.G197V variant (also known as c.590G>T), located in coding exon 5 of the ATM gene, results from a G to T substitution at nucleotide position 590. The glycine at codon 197 is replaced by valine, an amino acid with dissimilar properties. This amino acid position is highly conserved in available vertebrate species. In addition, this alteration is predicted to be deleterious by in silico analysis. Since supporting evidence is limited at this time, the clinical significance of this alteration remains unclear.

Natera, Inc.
Classification: Uncertain significance for Ataxia-telangiectasia. Last evaluated: 2021-01-04. Review status: no assertion criteria provided. Collection method: clinical testing. Allele origin: germline. Not counted in ClinVar's aggregate classification.